The following is an entry in ClinVar:

NM_006767.4(LZTR1):c.1943-276G>A

Gene: LZTR1 (leucine zipper like post translational regulator 1; plus strand). Cytogenetic location: 22q11.21.
Variant type: single nucleotide variant.
Coding change: c.1943-276G>A on transcript NM_006767.4 (MANE Select); 276 bases into the intron before coding-DNA position 1943, G replaced by A.
Molecular consequence: intron variant.
Genome position (GRCh38, 1-based): chr22:20,995,470, G>A. VCF-style: chr22-20995470-G-A. GRCh37 (hg19) VCF-style: chr22-21349759-G-A.
Identifiers: ClinVar variation 2447749 (VCV002447749.5), dbSNP rs1273220768, ClinGen allele CA751567728.

ClinVar aggregate classification (germline): Likely pathogenic. Review status: criteria provided, multiple submitters, no conflicts (2 of 4 stars). 2 submissions from 2 submitters: Likely pathogenic (2). Last evaluated 2025-12-22.

Conditions:
Hereditary cancer-predisposing syndrome. Also called: Hereditary neoplastic syndrome; Tumor predisposition; Hereditary Cancer Syndrome; Neoplastic Syndromes, Hereditary. Identifiers: Orphanet 140162, MedGen C0027672, MeSH D009386, MONDO:0015356.
Cardiovascular phenotype. Identifiers: MedGen CN230736.

gnomAD v4.1: 3 of 659,350 alleles (0.00045%); highest among the groups gnomAD compares: Non-Finnish European, 0.00057%; no homozygotes.

Submissions (2):

GeneDx
Classification: Likely pathogenic. Last evaluated: 2025-12-22. Review status: criteria provided, single submitter. Criteria: GeneDx Variant Classification Process June 2021. Collection method: clinical testing. Allele origin: germline.
Comment: RNA studies demonstrate a damaging effect: variant results in r.1942_1943ins1942+342_1943-262 and this insertion is predicted to cause a null allele (External communication with an outside laboratory); Not observed at significant frequency in large population cohorts (gnomAD); Has not been previously published as pathogenic or benign to our knowledge

Ambry Genetics
Classification: Likely pathogenic for Cardiovascular phenotype; Hereditary cancer-predisposing syndrome. Last evaluated: 2025-02-28. Review status: criteria provided, single submitter. Criteria: Ambry Variant Classification Scheme 2023. Collection method: clinical testing. Allele origin: germline.
Comment: The c.1943-276G>A intronic variant results from a G to A substitution 276 nucleotides upstream from coding exon 17 in the LZTR1 gene. This nucleotide position is not well conserved in available vertebrate species. In silico splice site analysis predicts that this alteration may result in the creation or strengthening of novel splice donor and acceptor sites, creating a cryptic exon within the intron. RNA studies have demonstrated that this alteration results in abnormal splicing in the set of samples tested (Ambry internal data). This variant is considered to be rare based on population cohorts in the Genome Aggregation Database (gnomAD). Loss-of-function variants in LZTR1 are related to an increased risk for schwannomas and autosomal recessive Noonan syndrome; however, such associations with autosomal dominant Noonan syndrome have not been observed (Piotrowski A et al. Nat Genet. 2014 Feb;46:182-7; Yamamoto GL et al. J Med Genet. 2015 Jun;52:413-21; Johnston JJ et al. Genet Med. 2018 10;20:1175-1185). Based on the supporting evidence, this variant is likely pathogenic for an increased risk of LZTR1-related schwannomatosis (SWN) and would be expected to cause autosomal recessive Noonan syndrome when present along with a second pathogenic or likely pathogenic variant on the other allele; however, the association of this alteration with autosomal dominant Noonan syndrome is unlikely.